The following is an entry in ClinVar:

ClinVar aggregate classification (germline): Uncertain significance (1 of 4 stars; one submission).

Conditions:
Familial cancer of breast. Also called: BREAST CANCER, FAMILIAL; Hereditary breast cancer; hereditary breast carcinoma. Identifiers: Orphanet 227535, MedGen C0346153, MONDO:0016419, OMIM 114480. Disease mechanism: loss of function.

Submission:

Labcorp Genetics (formerly Invitae), Labcorp
Classification: Uncertain significance for Familial cancer of breast. Last evaluated: 2020-08-28. Review status: criteria provided, single submitter. Criteria: Invitae Variant Classification Sherloc (09022015). Collection method: clinical testing. Allele origin: germline.
Comment: In summary, the available evidence is currently insufficient to determine the role of this variant in disease. Therefore, it has been classified as a Variant of Uncertain Significance. Algorithms developed to predict the effect of missense changes on protein structure and function output the following: SIFT: "Tolerated"; PolyPhen-2: "Benign"; Align-GVGD: "Class C0". The glutamic acid amino acid residue is found in multiple mammalian species, suggesting that this missense change does not adversely affect protein function. These predictions have not been confirmed by published functional studies and their clinical significance is uncertain. This variant has not been reported in the literature in individuals with PALB2-related conditions. This variant is not present in population databases (ExAC no frequency). This sequence change replaces lysine with glutamic acid at codon 174 of the PALB2 protein (p.Lys174Glu). The lysine residue is moderately conserved and there is a small physicochemical difference between lysine and glutamic acid.

NM_024675.4(PALB2):c.520A>G (p.Lys174Glu)

Gene: PALB2 (partner and localizer of BRCA2; minus strand). Cytogenetic location: 16p12.2.
Variant type: single nucleotide variant.
Coding change: c.520A>G on transcript NM_024675.4 (MANE Select); coding-DNA position 520, A replaced by G.
Protein change: p.Lys174Glu; replaces lysine 174 with glutamic acid.
Molecular consequence: missense variant.
Genome position (GRCh38, 1-based): chr16:23,636,026, T>C on the plus strand (A>G on the coding strand, the complement: PALB2 is on the minus strand). VCF-style: chr16-23636026-T-C. GRCh37 (hg19) VCF-style: chr16-23647347-T-C.
Other names: short protein forms K174E.
Identifiers: ClinVar variation 1054128 (VCV001054128.10), dbSNP rs2142441340, ClinGen allele CA395136987.